The following is an entry in ClinVar:

NM_032119.4(ADGRV1):c.18152+18093A>T

Gene: ADGRV1 (adhesion G protein-coupled receptor V1; plus strand). Cytogenetic location: 5q14.3.
Variant type: single nucleotide variant.
Coding change: c.18152+18093A>T on transcript NM_032119.4 (MANE Select); 18093 bases into the intron after coding-DNA position 18152, A replaced by T.
Molecular consequence: intron variant.
Genome position (GRCh38, 1-based): chr5:91,003,615, A>T. VCF-style: chr5-91003615-A-T. GRCh37 (hg19) VCF-style: chr5-90299432-A-T.
Identifiers: ClinVar variation 3338137 (VCV003338137.1).
Genomic context (GRCh38, chr5:91,003,615, plus strand): 5'-GATCCCAGGAGAAAACATCTCGCCTTGTGGAGCCCTTGATAAACAGGGAGGGAAATCCTG[A>T]ACGTAATTAAATGTGTGTACACACTAAAATTTAGGAAGATCCATTTTTAAACACTCAGAC-3'

ClinVar aggregate classification (germline): Likely benign (0 of 4 stars; one submission).

Conditions:
Hearing impairment. Also called: Impaired Hearing. Identifiers: MedGen C1384666, MONDO:0005365, HP:0000365.

gnomAD v4.1: 1 of 152,212 alleles (0.00066%); highest among the groups gnomAD compares: Non-Finnish European, 0.0015%; no homozygotes.

Submission:

Joint Genome Diagnostic Labs from Nijmegen and Maastricht, Radboudumc and MUMC+
Classification: Likely benign for hearing impairment. Review status: no assertion criteria provided. Collection method: clinical testing. Allele origin: germline. Affected: yes.
Comment: Found in cis with pathogenic monoallelic variant